The following is an entry in ClinVar:

NM_001378454.1(ALMS1):c.5522C>G (p.Thr1841Ser)

Gene: ALMS1 (ALMS1 centrosome and basal body associated protein; plus strand). Cytogenetic location: 2p13.1.
Variant type: single nucleotide variant.
Coding change: c.5522C>G on transcript NM_001378454.1 (MANE Select); coding-DNA position 5522, C replaced by G.
Protein change: p.Thr1841Ser; replaces threonine 1841 with serine.
Molecular consequence: missense variant.
Genome position (GRCh38, 1-based): chr2:73,452,049, C>G. VCF-style: chr2-73452049-C-G. GRCh37 (hg19) VCF-style: chr2-73679176-C-G.
Other names: c.5525C>G, p.Thr1842Ser (NM_015120.4); short protein forms T1842S, T1841S.
Identifiers: ClinVar variation 3527300 (VCV003527300.2).

ClinVar aggregate classification (germline): Conflicting classifications of pathogenicity. Review status: criteria provided, conflicting classifications (1 of 4 stars). 2 submissions from 2 submitters: Uncertain significance (1); Likely benign (1). Last evaluated 2025-06-02.

Conditions:
Alstrom syndrome (ALMS). Identifiers: Orphanet 64, MedGen C0268425, MONDO:0008763, OMIM 203800.
Cardiovascular phenotype. Identifiers: MedGen CN230736.

gnomAD v4.1: 3 of 1,613,966 alleles (0.00019%); highest among the groups gnomAD compares: Non-Finnish European, 0.00025%; no homozygotes.

Submissions (2):

Labcorp Genetics (formerly Invitae), Labcorp
Classification: Uncertain significance for Alstrom syndrome. Last evaluated: 2025-06-02. Review status: criteria provided, single submitter. Criteria: Invitae Variant Classification Sherloc (09022015). Collection method: clinical testing. Allele origin: germline.
Comment: This sequence change replaces threonine, which is neutral and polar, with serine, which is neutral and polar, at codon 1842 of the ALMS1 protein (p.Thr1842Ser). This variant is present in population databases (rs762249625, gnomAD 0.002%). This variant has not been reported in the literature in individuals affected with ALMS1-related conditions. ClinVar contains an entry for this variant (Variation ID: 3527300). Experimental studies and prediction algorithms are not available or were not evaluated, and the functional significance of this variant is currently unknown. In summary, the available evidence is currently insufficient to determine the role of this variant in disease. Therefore, it has been classified as a Variant of Uncertain Significance.

Ambry Genetics
Classification: Likely benign for Cardiovascular phenotype. Last evaluated: 2024-11-05. Review status: criteria provided, single submitter. Criteria: Ambry Variant Classification Scheme 2023. Collection method: clinical testing. Allele origin: germline.